The following is an entry in ClinVar:

NM_000465.4(BARD1):c.395T>G (p.Leu132Trp)

Gene: BARD1 (BRCA1 associated RING domain 1; minus strand). Cytogenetic location: 2q35.
Variant type: single nucleotide variant.
Coding change: c.395T>G on transcript NM_000465.4 (MANE Select); coding-DNA position 395, T replaced by G.
Protein change: p.Leu132Trp; replaces leucine 132 with tryptophan.
Molecular consequence: missense variant. On other transcripts: non-coding transcript variant (2), intron variant (3).
Genome position (GRCh38, 1-based): chr2:214,781,479, A>C on the plus strand (T>G on the coding strand, the complement: BARD1 is on the minus strand). VCF-style: chr2-214781479-A-C. GRCh37 (hg19) VCF-style: chr2-215646203-A-C.
Other names: c.338T>G, p.Leu113Trp (NM_001282543.2); c.158+27933T>G (NM_001282548.2); c.215+15582T>G (NM_001282545.2); c.364+10818T>G (NM_001282549.2); short protein forms L132W, L113W.
Identifiers: ClinVar variation 481421 (VCV000481421.6), dbSNP rs1423628588, ClinGen allele CA350458124.
Genomic context (GRCh38, chr2:214,781,479, plus strand): 5'-TTACTTCGAGGGCTAAACCACATTTTAATTGAATTCTTCTTGTTTCCTGCATCATTAAAC[A>C]AACTTTTCCTAGGTTTATCTTCTTTCAAATCTGACAGAAAAAAAGAAAAAGAAATCTGTT-3'
Protein context (NP_000456.2, residues 122-142): DLKEDKPRKS[Leu132Trp]FNDAGNKKNS

ClinVar aggregate classification (germline): Uncertain significance (1 of 4 stars; one submission).

Conditions:
Hereditary cancer-predisposing syndrome. Also called: Hereditary Cancer Syndrome; Neoplastic Syndromes, Hereditary; Tumor predisposition; Hereditary neoplastic syndrome. Identifiers: Orphanet 140162, MedGen C0027672, MeSH D009386, MONDO:0015356.

Submission:

Ambry Genetics
Classification: Uncertain significance for Hereditary cancer-predisposing syndrome. Last evaluated: 2025-11-12. Review status: criteria provided, single submitter. Criteria: Ambry Variant Classification Scheme 2023. Collection method: clinical testing. Allele origin: germline.
Comment: The p.L132W variant (also known as c.395T>G), located in coding exon 4 of the BARD1 gene, results from a T to G substitution at nucleotide position 395. The leucine at codon 132 is replaced by tryptophan, an amino acid with similar properties. This amino acid position is poorly conserved in available vertebrate species. In addition, this alteration is predicted to be tolerated by in silico analysis. Since supporting evidence is limited at this time, the clinical significance of this alteration remains unclear.